The following is an entry in ClinVar:

ClinVar aggregate classification (germline): Likely benign (0 of 4 stars; one submission).

Conditions:
PLXNA4-related disorder. Also called: PLXNA4-related condition.

Allele frequency attached by ClinVar (database versions not stated): ExAC 0.00004; TOPMed 0.00009; gnomAD 0.00011.
gnomAD v4.1: 95 of 1,613,974 alleles (0.0059%); highest among the groups gnomAD compares: East Asian, 0.089%; no homozygotes.

Submission:

PreventionGenetics, part of Exact Sciences
Classification: Likely benign for PLXNA4-related condition. Last evaluated: 2022-01-22. Review status: no assertion criteria provided. Collection method: clinical testing. Allele origin: germline.
Comment: This variant is classified as likely benign based on ACMG/AMP sequence variant interpretation guidelines (Richards et al. 2015 PMID: 25741868, with internal and published modifications).

NM_020911.2(PLXNA4):c.201C>T (p.Ala67=)

Gene: PLXNA4 (plexin A4; minus strand). Cytogenetic location: 7q32.3.
Variant type: single nucleotide variant.
Coding change: c.201C>T on transcript NM_020911.2 (MANE Select); coding-DNA position 201, C replaced by T.
Protein change: p.Ala67=; no amino-acid change (alanine 67 retained).
Molecular consequence: synonymous variant.
Genome position (GRCh38, 1-based): chr7:132,508,493, G>A on the plus strand (C>T on the coding strand, the complement: PLXNA4 is on the minus strand). VCF-style: chr7-132508493-G-A. GRCh37 (hg19) VCF-style: chr7-132193252-G-A.
Other names: c.201C>T, p.Ala67= (NM_181775.4, NM_001105543.2, NM_001393897.1).
Identifiers: ClinVar variation 3030320 (VCV003030320.2), dbSNP rs751042409, ClinGen allele CA4490535.